The following is an entry in ClinVar:

NM_145064.3(STAC3):c.636G>C (p.Glu212Asp)

Gene: STAC3 (SH3 and cysteine rich domain 3; minus strand). Cytogenetic location: 12q13.3.
Variant type: single nucleotide variant.
Coding change: c.636G>C on transcript NM_145064.3 (MANE Select); coding-DNA position 636, G replaced by C.
Protein change: p.Glu212Asp; replaces glutamic acid 212 with aspartic acid.
Molecular consequence: missense variant.
Genome position (GRCh38, 1-based): chr12:57,245,179, C>G on the plus strand (G>C on the coding strand, the complement: STAC3 is on the minus strand). VCF-style: chr12-57245179-C-G. GRCh37 (hg19) VCF-style: chr12-57638962-C-G.
Other names: c.519G>C, p.Glu173Asp (NM_001286256.2); c.78G>C, p.Glu26Asp (NM_001286257.2); c.636G>C (NM_145064.1); short protein forms E212D, E173D, E26D.
Identifiers: ClinVar variation 849720 (VCV000849720.9), dbSNP rs201567526, ClinGen allele CA6647066.
Genomic context (GRCh38, chr12:57,245,179, plus strand): 5'-TCTGGATGGAGGTGGGTAACACTCACCATCCTGGGGTTTGCCTTCCTCTGGTCTGGCCGA[C>G]TCTGGCTCCTCCTCCATCATGGCTGCTACAGGCTGGAGGGGGCACCAGAGTTAGGGAGAC-3'
Protein context (NP_659501.1, residues 202-222): PVAAMMEEEP[Glu212Asp]SARPEEGKPQ

ClinVar aggregate classification (germline): Uncertain significance. Review status: criteria provided, multiple submitters, no conflicts (2 of 4 stars). 2 submissions from 2 submitters: Uncertain significance (2). Last evaluated 2024-11-25.

Conditions:
Inborn genetic diseases. Identifiers: MedGen C0950123, MeSH D030342.
Bailey-Bloch congenital myopathy (CMYO13). Also called: Native American myopathy; Congenital myopathy 13; STAC3 disorder. Identifiers: Orphanet 168572, MedGen C1850625, MONDO:0009722, OMIM 255995.

Allele frequency attached by ClinVar (database versions not stated): ExAC 0.00004; gnomAD exomes 0.00004; gnomAD 0.00006; ESP Exome Variant Server 0.00008; TOPMed 0.00008.

Submissions (2):

Ambry Genetics
Classification: Uncertain significance for Inborn genetic diseases. Last evaluated: 2024-11-25. Review status: criteria provided, single submitter. Criteria: Ambry Variant Classification Scheme 2023. Collection method: clinical testing. Allele origin: germline.

Labcorp Genetics (formerly Invitae), Labcorp
Classification: Uncertain significance for Bailey-Bloch congenital myopathy. Last evaluated: 2023-10-03. Review status: criteria provided, single submitter. Criteria: Invitae Variant Classification Sherloc (09022015). Collection method: clinical testing. Allele origin: germline.
Comment: This sequence change replaces glutamic acid, which is acidic and polar, with aspartic acid, which is acidic and polar, at codon 212 of the STAC3 protein (p.Glu212Asp). This variant is present in population databases (rs201567526, gnomAD 0.008%). This variant has not been reported in the literature in individuals affected with STAC3-related conditions. ClinVar contains an entry for this variant (Variation ID: 849720). Advanced modeling of protein sequence and biophysical properties (such as structural, functional, and spatial information, amino acid conservation, physicochemical variation, residue mobility, and thermodynamic stability) performed at Invitae indicates that this missense variant is not expected to disrupt STAC3 protein function. In summary, the available evidence is currently insufficient to determine the role of this variant in disease. Therefore, it has been classified as a Variant of Uncertain Significance.